The following is an entry in ClinVar:

NM_004525.3(LRP2):c.5455A>G (p.Met1819Val)

Gene: LRP2 (LDL receptor related protein 2; minus strand). Cytogenetic location: 2q31.1.
Variant type: single nucleotide variant.
Coding change: c.5455A>G on transcript NM_004525.3 (MANE Select); coding-DNA position 5455, A replaced by G.
Protein change: p.Met1819Val; replaces methionine 1819 with valine.
Molecular consequence: missense variant.
Genome position (GRCh38, 1-based): chr2:169,225,393, T>C on the plus strand (A>G on the coding strand, the complement: LRP2 is on the minus strand). VCF-style: chr2-169225393-T-C. GRCh37 (hg19) VCF-style: chr2-170081903-T-C.
Other names: short protein forms M1819V.
Identifiers: ClinVar variation 1475495 (VCV001475495.5), dbSNP rs1456298864, ClinGen allele CA349139197.

ClinVar aggregate classification (germline): Uncertain significance (1 of 4 stars; one submission).

Allele frequency attached by ClinVar (database versions not stated): gnomAD 0.00001; gnomAD exomes below 0.00001.

Submission:

Labcorp Genetics (formerly Invitae), Labcorp
Classification: Uncertain significance. Last evaluated: 2022-06-27. Review status: criteria provided, single submitter. Criteria: Invitae Variant Classification Sherloc (09022015). Collection method: clinical testing. Allele origin: germline.
Comment: This sequence change replaces methionine, which is neutral and non-polar, with valine, which is neutral and non-polar, at codon 1819 of the LRP2 protein (p.Met1819Val). This variant is present in population databases (no rsID available, gnomAD 0.005%). This variant has not been reported in the literature in individuals affected with LRP2-related conditions. Advanced modeling of protein sequence and biophysical properties (such as structural, functional, and spatial information, amino acid conservation, physicochemical variation, residue mobility, and thermodynamic stability) performed at Invitae indicates that this missense variant is not expected to disrupt LRP2 protein function. In summary, the available evidence is currently insufficient to determine the role of this variant in disease. Therefore, it has been classified as a Variant of Uncertain Significance.